The following is an entry in ClinVar:

ClinVar aggregate classification (germline): Likely benign. Review status: criteria provided, multiple submitters, no conflicts (2 of 4 stars). 2 submissions from 2 submitters: Likely benign (2). Last evaluated 2025-12-07.

Conditions:
Autosomal recessive limb-girdle muscular dystrophy type 2J (LGMDR10). Also called: Limb-girdle muscular dystrophy, type 2J; MUSCULAR DYSTROPHY, LIMB-GIRDLE, AUTOSOMAL RECESSIVE 10. Identifiers: Orphanet 140922, MedGen C1837342, MONDO:0012127, OMIM 608807.
Dilated cardiomyopathy 1G (CMD1G). Identifiers: Orphanet 154, MedGen C1858763, MONDO:0011400, OMIM 604145.

gnomAD v4.1: 5 of 1,613,410 alleles (0.00031%); highest among the groups gnomAD compares: Non-Finnish European, 0.00034%; no homozygotes.

Submissions (2):

Labcorp Genetics (formerly Invitae), Labcorp
Classification: Likely benign for Dilated cardiomyopathy 1G; Autosomal recessive limb-girdle muscular dystrophy type 2J. Last evaluated: 2025-12-07. Review status: criteria provided, single submitter. Criteria: Invitae Variant Classification Sherloc (09022015). Collection method: clinical testing. Allele origin: germline.

GeneDx
Classification: Likely benign. Last evaluated: 2016-12-20. Review status: criteria provided, single submitter. Criteria: GeneDx Variant Classification (06012015). Collection method: clinical testing. Allele origin: germline. Affected: yes.
Comment: This variant is considered likely benign or benign based on one or more of the following criteria: it is a conservative change, it occurs at a poorly conserved position in the protein, it is predicted to be benign by multiple in silico algorithms, and/or has population frequency not consistent with disease.

NM_001267550.2(TTN):c.81565C>T (p.Leu27189=)

Genes: TTN-AS1 (TTN antisense RNA 1; plus strand), TTN (titin; minus strand). Cytogenetic location: 2q31.2.
Variant type: single nucleotide variant.
Coding change: c.81565C>T on transcript NM_001267550.2 (MANE Select); coding-DNA position 81565, C replaced by T.
Protein change: p.Leu27189=; no amino-acid change (leucine 27189 retained).
Molecular consequence: synonymous variant.
Genome position (GRCh38, 1-based): chr2:178,564,567, G>A on the plus strand (C>T on the coding strand, the complement: TTN is on the minus strand). VCF-style: chr2-178564567-G-A. GRCh37 (hg19) VCF-style: chr2-179429294-G-A.
Other names: c.76642C>T, p.Leu25548= (NM_001256850.1); c.54370C>T, p.Leu18124= (NM_003319.4); c.73861C>T, p.Leu24621= (NM_133378.4); c.54745C>T, p.Leu18249= (NM_133432.3); c.54946C>T, p.Leu18316= (NM_133437.4).
Identifiers: ClinVar variation 391994 (VCV000391994.12), dbSNP rs142391957, ClinGen allele CA16603996.
Genomic context (GRCh38, chr2:178,564,567, plus strand): 5'-TTTCTACAATATAACCTGTTATTTTGCTACCACCATCATAGGCAGGTTTCTTCCATTTCA[G>A]TGTGACATTGTTTCTTGTAATAACAATGGCTTCAGGGCGACCAGGTGGGTCACATGGATC-3'
Protein context (NP_001254479.2, residues 27179-27199): AIVITRNNVT[Leu27189=]KWKKPAYDGG